The following is an entry in ClinVar:

NM_005585.5(SMAD6):c.259G>C (p.Gly87Arg)

Gene: SMAD6 (SMAD family member 6; plus strand). Cytogenetic location: 15q22.31.
Variant type: single nucleotide variant.
Coding change: c.259G>C on transcript NM_005585.5 (MANE Select); coding-DNA position 259, G replaced by C.
Protein change: p.Gly87Arg; replaces glycine 87 with arginine.
Molecular consequence: missense variant. On other transcripts: non-coding transcript variant (1).
Genome position (GRCh38, 1-based): chr15:66,703,517, G>C. VCF-style: chr15-66703517-G-C. GRCh37 (hg19) VCF-style: chr15-66995855-G-C.
Other names: short protein forms G87R.
Identifiers: ClinVar variation 942369 (VCV000942369.10), dbSNP rs1422119769, ClinGen allele CA392949079.

ClinVar aggregate classification (germline): Uncertain significance. Review status: criteria provided, multiple submitters, no conflicts (2 of 4 stars). 2 submissions from 2 submitters: Uncertain significance (2). Last evaluated 2026-01-17.

Conditions:
Inborn genetic diseases. Identifiers: MedGen C0950123, MeSH D030342.
Aortic valve disease 2 (AOVD2). Identifiers: MedGen C3542024, MONDO:0013902, OMIM 614823.

Allele frequency attached by ClinVar (database versions not stated): TOPMed 0.00002.

Submissions (2):

Labcorp Genetics (formerly Invitae), Labcorp
Classification: Uncertain significance for Aortic valve disease 2. Last evaluated: 2026-01-17. Review status: criteria provided, single submitter. Criteria: Invitae Variant Classification Sherloc (09022015). Collection method: clinical testing. Allele origin: germline.
Comment: This sequence change replaces glycine, which is neutral and non-polar, with arginine, which is basic and polar, at codon 87 of the SMAD6 protein (p.Gly87Arg). This variant is not present in population databases (gnomAD no frequency). This variant has not been reported in the literature in individuals affected with SMAD6-related conditions. ClinVar contains an entry for this variant (Variation ID: 942369). An algorithm developed to predict the effect of missense changes on protein structure and function (PolyPhen-2) suggests that this variant is likely to be disruptive. In summary, the available evidence is currently insufficient to determine the role of this variant in disease. Therefore, it has been classified as a Variant of Uncertain Significance.

Ambry Genetics
Classification: Uncertain significance for Inborn genetic diseases. Last evaluated: 2024-09-01. Review status: criteria provided, single submitter. Criteria: Ambry Variant Classification Scheme 2023. Collection method: clinical testing. Allele origin: germline.